The following is an entry in ClinVar:

NM_014252.4(SLC25A15):c.56-1G>A

Gene: SLC25A15 (solute carrier family 25 member 15; plus strand). Cytogenetic location: 13q14.11.
Variant type: single nucleotide variant.
Coding change: c.56-1G>A on transcript NM_014252.4 (MANE Select); the canonical splice acceptor site of the intron before coding-DNA position 56, G replaced by A.
Molecular consequence: splice acceptor variant. On other transcripts: non-coding transcript variant (2).
Genome position (GRCh38, 1-based): chr13:40,799,056, G>A. VCF-style: chr13-40799056-G-A. GRCh37 (hg19) VCF-style: chr13-41373192-G-A.
Identifiers: ClinVar variation 2768733 (VCV002768733.3), dbSNP rs1224359023, ClinGen allele CA387916613.

ClinVar aggregate classification (germline): Likely pathogenic (1 of 4 stars; one submission).

Conditions:
Hyperornithinemia-hyperammonemia-homocitrullinuria syndrome (HHHS). Also called: HHH SYNDROME; Ornithine translocase deficiency. Identifiers: Orphanet 415, MedGen C0268540, MONDO:0009393, OMIM 238970.

Allele frequency attached by ClinVar (database versions not stated): gnomAD exomes below 0.00001.
gnomAD v4.1: 1 of 1,614,212 alleles (0.000062%); highest among the groups gnomAD compares: Admixed American, 0.0017%; no homozygotes.

Submission:

Labcorp Genetics (formerly Invitae), Labcorp
Classification: Likely pathogenic for Hyperornithinemia-hyperammonemia-homocitrullinuria syndrome. Last evaluated: 2023-10-28. Review status: criteria provided, single submitter. Criteria: Invitae Variant Classification Sherloc (09022015). Collection method: clinical testing. Allele origin: germline.
Comment: This sequence change affects an acceptor splice site in intron 2 of the SLC25A15 gene. It is expected to disrupt RNA splicing. Variants that disrupt the donor or acceptor splice site typically lead to a loss of protein function (PMID: 16199547), and loss-of-function variants in SLC25A15 are known to be pathogenic (PMID: 11552031, 19242930). This variant is present in population databases (no rsID available, gnomAD 0.003%). This variant has not been reported in the literature in individuals affected with SLC25A15-related conditions. Algorithms developed to predict the effect of sequence changes on RNA splicing suggest that this variant may disrupt the consensus splice site. In summary, the currently available evidence indicates that the variant is pathogenic, but additional data are needed to prove that conclusively. Therefore, this variant has been classified as Likely Pathogenic.

Literature cited by the submitters: PubMed 16199547; PubMed 11552031; PubMed 19242930.